The following is an entry in ClinVar:

NM_176787.5(PIGN):c.2576G>C (p.Ser859Thr)

Gene: PIGN (phosphatidylinositol glycan anchor biosynthesis class N; minus strand). Cytogenetic location: 18q21.33.
Variant type: single nucleotide variant.
Coding change: c.2576G>C on transcript NM_176787.5 (MANE Select); coding-DNA position 2576, G replaced by C.
Protein change: p.Ser859Thr; replaces serine 859 with threonine.
Molecular consequence: missense variant.
Genome position (GRCh38, 1-based): chr18:62,082,673, C>G on the plus strand (G>C on the coding strand, the complement: PIGN is on the minus strand). VCF-style: chr18-62082673-C-G. GRCh37 (hg19) VCF-style: chr18-59749906-C-G.
Other names: c.2576G>C (NM_176787.4); c.2576G>C, p.Ser859Thr (NM_012327.6); short protein forms S859T.
Identifiers: ClinVar variation 2736750 (VCV002736750.4), dbSNP rs2033503888, ClinGen allele CA16021035.

ClinVar aggregate classification (germline): Conflicting classifications of pathogenicity. Review status: criteria provided, conflicting classifications (1 of 4 stars). 2 submissions from 2 submitters: Likely pathogenic (1); Uncertain significance (1). Last evaluated 2023-12-11.

Conditions:
Multiple congenital anomalies-hypotonia-seizures syndrome 1 (MCAHS1). Also called: GLYCOSYLPHOSPHATIDYLINOSITOL BIOSYNTHESIS DEFECT 3; PIGN-CDG; Congenital disorder of glycosylation due to PIGN deficiency. Identifiers: Orphanet 280633, MedGen C3279775, MONDO:0013563, OMIM 614080.

Submissions (2):

Labcorp Genetics (formerly Invitae), Labcorp
Classification: Uncertain significance for Multiple congenital anomalies-hypotonia-seizures syndrome 1. Last evaluated: 2023-12-11. Review status: criteria provided, single submitter. Criteria: Invitae Variant Classification Sherloc (09022015). Collection method: clinical testing. Allele origin: germline.
Comment: This sequence change replaces serine, which is neutral and polar, with threonine, which is neutral and polar, at codon 859 of the PIGN protein (p.Ser859Thr). This variant also falls at the last nucleotide of exon 28, which is part of the consensus splice site for this exon. This variant is not present in population databases (gnomAD no frequency). This missense change has been observed in individual(s) with multiple congenital anomalies-hypotonia-seizures syndrome (PMID: 25920937). An algorithm developed to predict the effect of missense changes on protein structure and function (PolyPhen-2) suggests that this variant is likely to be tolerated. Variants that disrupt the consensus splice site are a relatively common cause of aberrant splicing (PMID: 17576681, 9536098). Algorithms developed to predict the effect of sequence changes on RNA splicing suggest that this variant may disrupt the consensus splice site. In summary, the available evidence is currently insufficient to determine the role of this variant in disease. Therefore, it has been classified as a Variant of Uncertain Significance.

GeneDx
Classification: Likely pathogenic. Last evaluated: 2023-09-10. Review status: criteria provided, single submitter. Criteria: GeneDx Variant Classification Process June 2021. Collection method: clinical testing. Allele origin: germline. Affected: yes.
Comment: Alters the last nucleotide of the exon and is predicted to destroy the splice donor site and result in aberrant splicing, although in the absence of functional evidence the actual effect of this sequence change is unknown; Not observed at significant frequency in large population cohorts (gnomAD); This variant is associated with the following publications: (PMID: 25920937)

Literature cited by the submitters: PubMed 25920937 (cited by Labcorp Genetics (formerly Invitae), Labcorp); PubMed 17576681 (cited by Labcorp Genetics (formerly Invitae), Labcorp); PubMed 9536098 (cited by Labcorp Genetics (formerly Invitae), Labcorp).